The following is an entry in ClinVar:

ClinVar aggregate classification (germline): Uncertain significance (1 of 4 stars; one submission).

Conditions:
TTN-related disorder. Also called: TTN-related condition; TTN-related disease; TTN-related disorders.

gnomAD v4.1: 8 of 1,612,238 alleles (0.0005%); highest among the groups gnomAD compares: Non-Finnish European, 0.00068%; no homozygotes.

Submission:

PreventionGenetics, part of Exact Sciences
Classification: Uncertain significance for TTN-related condition. Last evaluated: 2026-08-04. Review status: criteria provided, single submitter. Criteria: ACMG Guidelines, 2015. Collection method: clinical testing. Allele origin: germline.
Comment: The TTN c.99271A>C variant is predicted to result in the amino acid substitution p.Ile33091Leu. To our knowledge, this variant has not been reported in the literature or in a large population database (gnomAD), indicating this variant is rare. At this time, the clinical significance of this variant is uncertain due to the absence of conclusive functional and genetic evidence.

NM_001267550.2(TTN):c.99271A>C (p.Ile33091Leu)

Genes: TTN (titin; minus strand), TTN-AS1 (TTN antisense RNA 1; plus strand). Cytogenetic location: 2q31.2.
Variant type: single nucleotide variant.
Coding change: c.99271A>C on transcript NM_001267550.2 (MANE Select); coding-DNA position 99271, A replaced by C.
Protein change: p.Ile33091Leu; replaces isoleucine 33091 with leucine.
Molecular consequence: missense variant.
Genome position (GRCh38, 1-based): chr2:178,538,558, T>G on the plus strand (A>C on the coding strand, the complement: TTN is on the minus strand). VCF-style: chr2-178538558-T-G. GRCh37 (hg19) VCF-style: chr2-179403285-T-G.
Other names: c.94348A>C, p.Ile31450Leu (NM_001256850.1); c.72076A>C, p.Ile24026Leu (NM_003319.4); c.91567A>C, p.Ile30523Leu (NM_133378.4); c.72451A>C, p.Ile24151Leu (NM_133432.3); c.72652A>C, p.Ile24218Leu (NM_133437.4); short protein forms I30523L, I31450L, I33091L, I24026L, I24151L, I24218L.
Identifiers: ClinVar variation 4978119 (VCV004978119.1).